The following is an entry in ClinVar:

ClinVar aggregate classification (germline): Likely benign (0 of 4 stars; one submission).

Conditions:
COL9A1-related disorder. Also called: COL9A1-related disorders; COL9A1-related condition.

gnomAD v4.1: 1 of 1,613,688 alleles (0.000062%); highest among the groups gnomAD compares: Non-Finnish European, 0.000085%; no homozygotes.

Submission:

PreventionGenetics, part of Exact Sciences
Classification: Likely benign for COL9A1-related condition. Last evaluated: 2021-06-02. Review status: no assertion criteria provided. Collection method: clinical testing. Allele origin: germline.
Comment: This variant is classified as likely benign based on ACMG/AMP sequence variant interpretation guidelines (Richards et al. 2015 PMID: 25741868, with internal and published modifications).

NM_001851.6(COL9A1):c.167-4A>T

Gene: COL9A1 (collagen type IX alpha 1 chain; minus strand). Cytogenetic location: 6q13.
Variant type: single nucleotide variant.
Coding change: c.167-4A>T on transcript NM_001851.6 (MANE Select); 4 bases into the intron before coding-DNA position 167, A replaced by T.
Molecular consequence: intron variant.
Genome position (GRCh38, 1-based): chr6:70,300,179, T>A on the plus strand (A>T on the coding strand, the complement: COL9A1 is on the minus strand). VCF-style: chr6-70300179-T-A. GRCh37 (hg19) VCF-style: chr6-71009882-T-A.
Other names: c.167-4A>T (NM_001377291.1).
Identifiers: ClinVar variation 3061492 (VCV003061492.2), dbSNP rs374720909, ClinGen allele CA2679327262.